The following is an entry in ClinVar:

NM_003040.4(SLC4A2):c.3627C>T (p.Thr1209=)

Gene: SLC4A2 (solute carrier family 4 member 2; plus strand). Cytogenetic location: 7q36.1.
Variant type: single nucleotide variant.
Coding change: c.3627C>T on transcript NM_003040.4 (MANE Select); coding-DNA position 3627, C replaced by T.
Protein change: p.Thr1209=; no amino-acid change (threonine 1209 retained).
Molecular consequence: synonymous variant.
Genome position (GRCh38, 1-based): chr7:151,076,168, C>T. VCF-style: chr7-151076168-C-T. GRCh37 (hg19) VCF-style: chr7-150773255-C-T.
Other names: c.3600C>T, p.Thr1200= (NM_001199693.1); c.3627C>T, p.Thr1209= (NM_001199692.3); c.3585C>T, p.Thr1195= (NM_001199694.2).
Identifiers: ClinVar variation 2658179 (VCV002658179.24), dbSNP rs55913625, ClinGen allele CA4571751.

ClinVar aggregate classification (germline): Benign (1 of 4 stars; one submission).

Allele frequency attached by ClinVar (database versions not stated): 1000 Genomes Project 30x 0.00453; 1000 Genomes Project 0.00479; gnomAD 0.00865; TOPMed 0.00930; ExAC 0.00932; ESP Exome Variant Server 0.01092; gnomAD exomes 0.01172.
gnomAD v4.1: 18,495 of 1,611,038 alleles (1.1%); highest among the groups gnomAD compares: Non-Finnish European, 1.3%; 128 homozygotes.

Submission:

CeGaT Center for Human Genetics Tuebingen
Classification: Benign. Last evaluated: 2023-02-01. Review status: criteria provided, single submitter. Criteria: CeGaT Center For Human Genetics Tuebingen Variant Classification Criteria Version 2. Collection method: clinical testing. Allele origin: germline. Affected: yes. Observed: 1 variant allele.
Comment: SLC4A2: BP4, BP7, BS1, BS2